The following is an entry in ClinVar:

NM_000218.3(KCNQ1):c.1393+28822C>G

Genes: KCNQ1 (potassium voltage-gated channel subfamily Q member 1; plus strand), KCNQ1OT1 (KCNQ1 opposite strand/antisense transcript 1; minus strand). Cytogenetic location: 11p15.5.
Variant type: single nucleotide variant.
Coding change: c.1393+28822C>G on transcript NM_000218.3 (MANE Select); 28822 bases into the intron after coding-DNA position 1393, C replaced by G.
Molecular consequence: intron variant. On other transcripts: non-coding transcript variant (1).
Genome position (GRCh38, 1-based): chr11:2,617,676, C>G. VCF-style: chr11-2617676-C-G. GRCh37 (hg19) VCF-style: chr11-2638906-C-G.
Other names: c.1123+28822C>G (NM_001406837.1); c.1297+28822C>G (NM_001406836.1); c.853+28822C>G (NM_001406838.1); c.1012+28822C>G (NM_181798.2).
Identifiers: ClinVar variation 2641375 (VCV002641375.24), dbSNP rs113637415, ClinGen allele CA216360660.
Genomic context (GRCh38, chr11:2,617,676, plus strand): 5'-CAATTTCTTTAGGAGCCACCATTCTGTTTTTCATTATGACTGCACCAATCTACAGTCCCA[C>G]CAACACTGTACAAGAGTTCCCTAACCCTAGCCAACACTTAATAGCTATTCTCATGAGTGT-3'

ClinVar aggregate classification (germline): Likely benign (1 of 4 stars; one submission).

Allele frequency attached by ClinVar (database versions not stated): 1000 Genomes Project 30x 0.00016; 1000 Genomes Project 0.00020; TOPMed 0.00025; gnomAD exomes 0.00070.
gnomAD v4.1: 244 of 398,480 alleles (0.061%); highest among the groups gnomAD compares: Non-Finnish European, 0.087%; 1 homozygote.

Submission:

CeGaT Center for Human Genetics Tuebingen
Classification: Likely benign. Last evaluated: 2026-02-01. Review status: criteria provided, single submitter. Criteria: CeGaT Center For Human Genetics Tuebingen Variant Classification Criteria Version 2. Collection method: clinical testing. Allele origin: germline. Affected: yes. Observed: 5 variant alleles.
Comment: KCNQ1OT1: BS1